The following is an entry in ClinVar:

ClinVar aggregate classification (germline): Uncertain significance. Review status: criteria provided, multiple submitters, no conflicts (2 of 4 stars). 2 submissions from 2 submitters: Uncertain significance (2). Last evaluated 2024-05-28.

Conditions:
Familial thoracic aortic aneurysm and aortic dissection (TAAD). Also called: Thoracic aortic aneurysms and dissections. Identifiers: Orphanet 91387, MedGen C4707243, MONDO:0019625.
Marfan syndrome (MFS). Also called: Marfan syndrome, classic; Marfan syndrome type 1; Marfan's syndrome; FBN1-Related Marfan Syndrome; MARFAN SYNDROME, TYPE I. Identifiers: Orphanet 284963, Orphanet 558, MedGen C0024796, MONDO:0007947, OMIM 154700.

Submissions (2):

Women's Health and Genetics/Laboratory Corporation of America, LabCorp
Classification: Uncertain significance. Last evaluated: 2024-05-28. Review status: criteria provided, single submitter. Criteria: LabCorp Variant Classification Summary - May 2015. Collection method: clinical testing. Allele origin: germline.
Comment: Variant summary: FBN1 c.3035C>G (p.Pro1012Arg) results in a non-conservative amino acid change in the encoded protein sequence. Four of five in-silico tools predict a damaging effect of the variant on protein function. The variant was absent in 251436 control chromosomes. The available data on variant occurrences in the general population are insufficient to allow any conclusion about variant significance. To our knowledge, no occurrence of c.3035C>G in individuals affected with Marfan Syndrome and no experimental evidence demonstrating its impact on protein function have been reported. ClinVar contains an entry for this variant (Variation ID: 938695). Based on the evidence outlined above, the variant was classified as uncertain significance.

Labcorp Genetics (formerly Invitae), Labcorp
Classification: Uncertain significance for Marfan syndrome; Familial thoracic aortic aneurysm and aortic dissection. Last evaluated: 2023-02-16. Review status: criteria provided, single submitter. Criteria: Invitae Variant Classification Sherloc (09022015). Collection method: clinical testing. Allele origin: germline.
Comment: This sequence change replaces proline, which is neutral and non-polar, with arginine, which is basic and polar, at codon 1012 of the FBN1 protein (p.Pro1012Arg). This variant is not present in population databases (gnomAD no frequency). This variant has not been reported in the literature in individuals affected with FBN1-related conditions. ClinVar contains an entry for this variant (Variation ID: 938695). Advanced modeling of protein sequence and biophysical properties (such as structural, functional, and spatial information, amino acid conservation, physicochemical variation, residue mobility, and thermodynamic stability) performed at Invitae indicates that this missense variant is expected to disrupt FBN1 protein function. In summary, the available evidence is currently insufficient to determine the role of this variant in disease. Therefore, it has been classified as a Variant of Uncertain Significance.

NM_000138.5(FBN1):c.3035C>G (p.Pro1012Arg)

Gene: FBN1 (fibrillin 1; minus strand). Cytogenetic location: 15q21.1.
Variant type: single nucleotide variant.
Coding change: c.3035C>G on transcript NM_000138.5 (MANE Select); coding-DNA position 3035, C replaced by G.
Protein change: p.Pro1012Arg; replaces proline 1012 with arginine.
Molecular consequence: missense variant.
Genome position (GRCh38, 1-based): chr15:48,489,898, G>C on the plus strand (C>G on the coding strand, the complement: FBN1 is on the minus strand). VCF-style: chr15-48489898-G-C. GRCh37 (hg19) VCF-style: chr15-48782095-G-C.
Other names: short protein forms P1012R.
Identifiers: ClinVar variation 938695 (VCV000938695.10), dbSNP rs113990281, ClinGen allele CA269533455.